The following is an entry in ClinVar:

ClinVar aggregate classification (germline): Uncertain significance (1 of 4 stars; one submission).

Submission:

GeneDx
Classification: Uncertain significance. Last evaluated: 2024-03-26. Review status: criteria provided, single submitter. Criteria: GeneDx Variant Classification Process June 2021. Collection method: clinical testing. Allele origin: germline. Affected: yes.
Comment: Not observed at significant frequency in large population cohorts (gnomAD); In silico analysis supports that this missense variant does not alter protein structure/function; Has not been previously published as pathogenic or benign to our knowledge

NM_001127222.2(CACNA1A):c.156G>A (p.Met52Ile)

Gene: CACNA1A (calcium voltage-gated channel subunit alpha1 A; minus strand). Cytogenetic location: 19p13.13.
Variant type: single nucleotide variant.
Coding change: c.156G>A on transcript NM_001127222.2 (MANE Select); coding-DNA position 156, G replaced by A.
Protein change: p.Met52Ile; replaces methionine 52 with isoleucine.
Molecular consequence: missense variant.
Genome position (GRCh38, 1-based): chr19:13,506,069, C>T on the plus strand (G>A on the coding strand, the complement: CACNA1A is on the minus strand). VCF-style: chr19-13506069-C-T. GRCh37 (hg19) VCF-style: chr19-13616883-C-T.
Other names: c.156G>A, p.Met52Ile (NM_000068.4, NM_001127221.2, NM_001174080.2 and 1 more transcripts); short protein forms M52I.
Identifiers: ClinVar variation 3371685 (VCV003371685.1).